The following is an entry in ClinVar:

ClinVar aggregate classification (germline): Uncertain significance (1 of 4 stars; one submission).

Conditions:
Dilated cardiomyopathy 1O (CMD1O). Also called: CARDIOMYOPATHY, DILATED, WITH VENTRICULAR TACHYCARDIA. Identifiers: Orphanet 154, MedGen C1837839, MONDO:0012062, OMIM 608569.

Submission:

Labcorp Genetics (formerly Invitae), Labcorp
Classification: Uncertain significance for Dilated cardiomyopathy 1O. Last evaluated: 2023-03-24. Review status: criteria provided, single submitter. Criteria: Invitae Variant Classification Sherloc (09022015). Collection method: clinical testing. Allele origin: germline.
Comment: In summary, the available evidence is currently insufficient to determine the role of this variant in disease. Therefore, it has been classified as a Variant of Uncertain Significance. Variants that disrupt the consensus splice site are a relatively common cause of aberrant splicing (PMID: 17576681, 9536098). Algorithms developed to predict the effect of sequence changes on RNA splicing suggest that this variant may disrupt the consensus splice site. This sequence change falls in intron 2 of the ABCC9 gene. It does not directly change the encoded amino acid sequence of the ABCC9 protein. It affects a nucleotide within the consensus splice site. This variant is not present in population databases (gnomAD no frequency). This variant has not been reported in the literature in individuals affected with ABCC9-related conditions.

Literature cited by the submitters: PubMed 17576681; PubMed 9536098.

NM_020297.4(ABCC9):c.284+5G>A

Gene: ABCC9 (ATP binding cassette subfamily C member 9; minus strand). Cytogenetic location: 12p12.1.
Variant type: single nucleotide variant.
Coding change: c.284+5G>A on transcript NM_020297.4 (MANE Select); 5 bases into the intron after coding-DNA position 284, G replaced by A.
Molecular consequence: intron variant.
Genome position (GRCh38, 1-based): chr12:21,933,777, C>T on the plus strand (G>A on the coding strand, the complement: ABCC9 is on the minus strand). VCF-style: chr12-21933777-C-T. GRCh37 (hg19) VCF-style: chr12-22086711-C-T.
Other names: c.-171+5G>A (NM_001377274.1); c.284+5G>A (NM_005691.4, NM_001377273.1).
Identifiers: ClinVar variation 2849082 (VCV002849082.3), dbSNP rs2541877738, ClinGen allele CA2739271901.